The following is an entry in ClinVar:

NM_015102.5(NPHP4):c.558G>A (p.Gln186=)

Gene: NPHP4 (nephrocystin 4; minus strand). Cytogenetic location: 1p36.31.
Variant type: single nucleotide variant.
Coding change: c.558G>A on transcript NM_015102.5 (MANE Select); coding-DNA position 558, G replaced by A.
Protein change: p.Gln186=; no amino-acid change (glutamine 186 retained).
Molecular consequence: synonymous variant. On other transcripts: 5 prime UTR variant (2), non-coding transcript variant (1).
Genome position (GRCh38, 1-based): chr1:5,961,909, C>T on the plus strand (G>A on the coding strand, the complement: NPHP4 is on the minus strand). VCF-style: chr1-5961909-C-T. GRCh37 (hg19) VCF-style: chr1-6021969-C-T.
Other names: c.-672G>A (NM_001291593.2); c.-809G>A (NM_001291594.2).
Identifiers: ClinVar variation 4983513 (VCV004983513.1).

ClinVar aggregate classification (germline): Likely benign (1 of 4 stars; one submission).

Conditions:
NPHP4-related disorder. Also called: NPHP4-related disorders; NPHP4-related condition. Identifiers: MedGen CN239384.

Submission:

PreventionGenetics, part of Exact Sciences
Classification: Likely benign for NPHP4-related condition. Last evaluated: 2025-07-25. Review status: criteria provided, single submitter. Criteria: ACMG Guidelines, 2015. Collection method: clinical testing. Allele origin: germline.
Comment: This variant is classified as likely benign based on ACMG/AMP sequence variant interpretation guidelines (Richards et al. 2015 PMID: 25741868, with internal and published modifications).